The following is an entry in ClinVar:

ClinVar aggregate classification (germline): Uncertain significance (1 of 4 stars; one submission).

Allele frequency attached by ClinVar (database versions not stated): gnomAD exomes below 0.00001; ExAC 0.00001.
gnomAD v4.1: 2 of 1,614,224 alleles (0.00012%); highest among the groups gnomAD compares: South Asian, 0.0011%; no homozygotes.

Submission:

Labcorp Genetics (formerly Invitae), Labcorp
Classification: Uncertain significance. Last evaluated: 2021-06-05. Review status: criteria provided, single submitter. Criteria: Invitae Variant Classification Sherloc (09022015). Collection method: clinical testing. Allele origin: germline.
Comment: This variant has not been reported in the literature in individuals with KMT2A-related conditions. In summary, the available evidence is currently insufficient to determine the role of this variant in disease. Therefore, it has been classified as a Variant of Uncertain Significance. Algorithms developed to predict the effect of sequence changes on RNA splicing suggest that this variant may create or strengthen a splice site, but this prediction has not been confirmed by published transcriptional studies. Advanced modeling of protein sequence and biophysical properties (such as structural, functional, and spatial information, amino acid conservation, physicochemical variation, residue mobility, and thermodynamic stability) performed at Invitae indicates that this missense variant is not expected to disrupt KMT2A protein function. The frequency data for this variant in the population databases is considered unreliable, as metrics indicate poor data quality at this position in the ExAC database. This sequence change replaces isoleucine with valine at codon 3381 of the KMT2A protein (p.Ile3381Val). The isoleucine residue is moderately conserved and there is a small physicochemical difference between isoleucine and valine.

NM_001197104.2(KMT2A):c.10141A>G (p.Ile3381Val)

Gene: KMT2A (lysine methyltransferase 2A; plus strand). Cytogenetic location: 11q23.3.
Variant type: single nucleotide variant.
Coding change: c.10141A>G on transcript NM_001197104.2 (MANE Select); coding-DNA position 10141, A replaced by G.
Protein change: p.Ile3381Val; replaces isoleucine 3381 with valine.
Molecular consequence: missense variant.
Genome position (GRCh38, 1-based): chr11:118,506,033, A>G. VCF-style: chr11-118506033-A-G. GRCh37 (hg19) VCF-style: chr11-118376748-A-G.
Other names: c.10132A>G, p.Ile3378Val (NM_005933.4); short protein forms I3381V, I3378V.
Identifiers: ClinVar variation 1510931 (VCV001510931.8), dbSNP rs782638810, ClinGen allele CA6304693.